The following is an entry in ClinVar:

NM_003072.5(SMARCA4):c.2063A>G (p.Lys688Arg)

Gene: SMARCA4 (SWI/SNF related BAF chromatin remodeling complex subunit ATPase 4; plus strand). Cytogenetic location: 19p13.2.
Variant type: single nucleotide variant.
Coding change: c.2063A>G on transcript NM_003072.5 (MANE Select); coding-DNA position 2063, A replaced by G.
Protein change: p.Lys688Arg; replaces lysine 688 with arginine.
Molecular consequence: missense variant. On other transcripts: non-coding transcript variant (1).
Genome position (GRCh38, 1-based): chr19:11,007,963, A>G. VCF-style: chr19-11007963-A-G. GRCh37 (hg19) VCF-style: chr19-11118639-A-G.
Other names: c.2063A>G, p.Lys688Arg (NM_001128844.3, NM_001128845.2, NM_001128846.2 and 6 more transcripts); c.2063A>G (NM_001128849.1); short protein forms K688R.
Identifiers: ClinVar variation 4802561 (VCV004802561.2).

ClinVar aggregate classification (germline): Uncertain significance. Review status: criteria provided, multiple submitters, no conflicts (2 of 4 stars). 2 submissions from 2 submitters: Uncertain significance (2). Last evaluated 2026-07-06.

Conditions:
Rhabdoid tumor predisposition syndrome 2 (RTPS2). Identifiers: Orphanet 231108, Orphanet 69077, MedGen C2750074, MONDO:0013224, OMIM 613325.
Hereditary cancer-predisposing syndrome. Also called: Hereditary Cancer Syndrome; Hereditary neoplastic syndrome; Neoplastic Syndromes, Hereditary; Tumor predisposition. Identifiers: Orphanet 140162, MedGen C0027672, MeSH D009386, MONDO:0015356.

Submissions (2):

Ambry Genetics
Classification: Uncertain significance for Hereditary cancer-predisposing syndrome. Last evaluated: 2026-07-06. Review status: criteria provided, single submitter. Criteria: Ambry Variant Classification Scheme 2023. Collection method: clinical testing. Allele origin: germline.
Comment: The p.K688R variant (also known as c.2063A>G), located in coding exon 13 of the SMARCA4 gene, results from an A to G substitution at nucleotide position 2063. The lysine at codon 688 is replaced by arginine, an amino acid with highly similar properties. This amino acid position is conserved. In addition, the in silico prediction for this alteration is inconclusive. Based on the available evidence, the clinical significance of this variant remains unclear.

Labcorp Genetics (formerly Invitae), Labcorp
Classification: Uncertain significance for Rhabdoid tumor predisposition syndrome 2. Last evaluated: 2025-04-16. Review status: criteria provided, single submitter. Criteria: Invitae Variant Classification Sherloc (09022015). Collection method: clinical testing. Allele origin: germline.
Comment: This sequence change replaces lysine, which is basic and polar, with arginine, which is basic and polar, at codon 688 of the SMARCA4 protein (p.Lys688Arg). This variant is not present in population databases (gnomAD no frequency). This variant has not been reported in the literature in individuals affected with SMARCA4-related conditions. Invitae Evidence Modeling of protein sequence and biophysical properties (such as structural, functional, and spatial information, amino acid conservation, physicochemical variation, residue mobility, and thermodynamic stability) has been performed for this missense variant. However, the output from this modeling did not meet the statistical confidence thresholds required to predict the impact of this variant on SMARCA4 protein function. In summary, the available evidence is currently insufficient to determine the role of this variant in disease. Therefore, it has been classified as a Variant of Uncertain Significance.